The following is an entry in ClinVar:

NM_000137.4(FAH):c.23A>C (p.Glu8Ala)

Gene: FAH (fumarylacetoacetate hydrolase; plus strand). Cytogenetic location: 15q25.1.
Variant type: single nucleotide variant.
Coding change: c.23A>C on transcript NM_000137.4 (MANE Select); coding-DNA position 23, A replaced by C.
Protein change: p.Glu8Ala; replaces glutamic acid 8 with alanine.
Molecular consequence: missense variant.
Genome position (GRCh38, 1-based): chr15:80,153,077, A>C. VCF-style: chr15-80153077-A-C. GRCh37 (hg19) VCF-style: chr15-80445419-A-C.
Other names: c.23A>C, p.Glu8Ala (NM_001374377.1, NM_001374380.1); short protein forms E8A.
Identifiers: ClinVar variation 1005722 (VCV001005722.8), dbSNP rs2041065243, ClinGen allele CA393615431.

ClinVar aggregate classification (germline): Uncertain significance (1 of 4 stars; one submission).

Conditions:
Tyrosinemia type I (TYRSN1). Also called: FAH DEFICIENCY; Tyrosinemia type 1; Fumarylacetoacetase deficiency; Deficiency of fumarylacetoacetase; HEPATORENAL TYROSINEMIA. Identifiers: Orphanet 882, MedGen C0268490, MONDO:0010161, OMIM 276700. Disease mechanism: loss of function.

Submission:

Labcorp Genetics (formerly Invitae), Labcorp
Classification: Uncertain significance for Tyrosinemia type I. Last evaluated: 2020-09-12. Review status: criteria provided, single submitter. Criteria: Invitae Variant Classification Sherloc (09022015). Collection method: clinical testing. Allele origin: germline.
Comment: This variant is not present in population databases (ExAC no frequency). In summary, the available evidence is currently insufficient to determine the role of this variant in disease. Therefore, it has been classified as a Variant of Uncertain Significance. Advanced modeling of protein sequence and biophysical properties (such as structural, functional, and spatial information, amino acid conservation, physicochemical variation, residue mobility, and thermodynamic stability) performed at Invitae indicates that this missense variant is not expected to disrupt FAH protein function. This variant has not been reported in the literature in individuals with FAH-related conditions. This sequence change replaces glutamic acid with alanine at codon 8 of the FAH protein (p.Glu8Ala). The glutamic acid residue is moderately conserved and there is a moderate physicochemical difference between glutamic acid and alanine.